The following is an entry in ClinVar:

NM_003002.4(SDHD):c.24T>G (p.Ser8Arg)

Genes: SDHD (succinate dehydrogenase complex subunit D; plus strand), LOC126861339 (BRD4-independent group 4 enhancer GRCh37_chr11:111957035-111958234; plus strand). Cytogenetic location: 11q23.1.
Variant type: single nucleotide variant.
Coding change: c.24T>G on transcript NM_003002.4 (MANE Select); coding-DNA position 24, T replaced by G.
Protein change: p.Ser8Arg; replaces serine 8 with arginine.
Molecular consequence: missense variant. On other transcripts: non-coding transcript variant (1).
Genome position (GRCh38, 1-based): chr11:112,086,931, T>G. VCF-style: chr11-112086931-T-G. GRCh37 (hg19) VCF-style: chr11-111957655-T-G.
Other names: c.24T>G, p.Ser8Arg (NM_001276503.2, NM_001276504.2, NM_001276506.2); c.24T>G (NM_003002.2); short protein forms S8R.
Identifiers: ClinVar variation 3753758 (VCV003753758.3).

ClinVar aggregate classification (germline): Uncertain significance. Review status: criteria provided, multiple submitters, no conflicts (2 of 4 stars). 2 submissions from 2 submitters: Uncertain significance (2). Last evaluated 2026-06-04.

Conditions:
Hereditary cancer-predisposing syndrome. Also called: Hereditary Cancer Syndrome; Hereditary neoplastic syndrome; Neoplastic Syndromes, Hereditary; Tumor predisposition. Identifiers: Orphanet 140162, MedGen C0027672, MeSH D009386, MONDO:0015356.
Pheochromocytoma. Also called: MAX-Related Hereditary Paraganglioma-Pheochromocytoma Syndrome. Identifiers: Orphanet 29072, MedGen C0031511, MONDO:0008233, OMIM 171300, HP:0002666.
Carney-Stratakis syndrome. Also called: PARAGANGLIOMA AND GASTROINTESTINAL STROMAL TUMOR. Identifiers: Orphanet 97286, MedGen C1847319, MONDO:0011740, OMIM 606864.
Cowden syndrome 3 (CWS3). Identifiers: Orphanet 201, MedGen CN166604, MONDO:0014045.
Paragangliomas with sensorineural hearing loss. Identifiers: MedGen C1868633.

gnomAD v4.1: 3 of 1,614,088 alleles (0.00019%); highest among the groups gnomAD compares: African/African-American, 0.0013%; no homozygotes.

Submissions (2):

Ambry Genetics
Classification: Uncertain significance for Hereditary cancer-predisposing syndrome. Last evaluated: 2026-06-04. Review status: criteria provided, single submitter. Criteria: Ambry Variant Classification Scheme 2023. Collection method: clinical testing. Allele origin: germline.
Comment: The p.S8R variant (also known as c.24T>G), located in coding exon 1 of the SDHD gene, results from a T to G substitution at nucleotide position 24. The serine at codon 8 is replaced by arginine, an amino acid with dissimilar properties. This variant was reported in individual(s) with features consistent with SDHD-related hereditary pheochromocytoma-paraganglioma (Ma X et al. Front Endocrinol (Lausanne), 2020 Dec;11:574662). This amino acid position is not well conserved in available vertebrate species. In addition, the in silico prediction for this alteration is inconclusive. Based on the available evidence, the clinical significance of this variant remains unclear.

Labcorp Genetics (formerly Invitae), Labcorp
Classification: Uncertain significance for Carney-Stratakis syndrome; Paragangliomas with sensorineural hearing loss; Pheochromocytoma; Cowden syndrome 3. Last evaluated: 2024-09-08. Review status: criteria provided, single submitter. Criteria: Invitae Variant Classification Sherloc (09022015). Collection method: clinical testing. Allele origin: germline.
Comment: This sequence change replaces serine, which is neutral and polar, with arginine, which is basic and polar, at codon 8 of the SDHD protein (p.Ser8Arg). This variant is present in population databases (no rsID available, gnomAD 0.0009%). This variant has not been reported in the literature in individuals affected with SDHD-related conditions. Invitae Evidence Modeling of protein sequence and biophysical properties (such as structural, functional, and spatial information, amino acid conservation, physicochemical variation, residue mobility, and thermodynamic stability) indicates that this missense variant is not expected to disrupt SDHD protein function with a negative predictive value of 95%. In summary, the available evidence is currently insufficient to determine the role of this variant in disease. Therefore, it has been classified as a Variant of Uncertain Significance.

Literature cited by the submitters: PubMed 33362715 (cited by Ambry Genetics).